The following is an entry in ClinVar:

ClinVar aggregate classification (germline): Uncertain significance (1 of 4 stars; one submission).

Submission:

GeneDx
Classification: Uncertain significance. Last evaluated: 2025-05-29. Review status: criteria provided, single submitter. Criteria: GeneDx Variant Classification Process June 2021. Collection method: clinical testing. Allele origin: germline. Affected: yes.
Comment: Not observed at significant frequency in large population cohorts (gnomAD); In silico analysis supports that this missense variant has a deleterious effect on protein structure/function; Has not been previously published as pathogenic or benign to our knowledge

NM_001110556.2(FLNA):c.289C>A (p.Pro97Thr)

Gene: FLNA (filamin A; minus strand). Cytogenetic location: Xq28.
Variant type: single nucleotide variant.
Coding change: c.289C>A on transcript NM_001110556.2 (MANE Select); coding-DNA position 289, C replaced by A.
Protein change: p.Pro97Thr; replaces proline 97 with threonine.
Molecular consequence: missense variant.
Genome position (GRCh38, 1-based): chrX:154,370,957, G>T on the plus strand (C>A on the coding strand, the complement: FLNA is on the minus strand). VCF-style: chrX-154370957-G-T. GRCh37 (hg19) VCF-style: chrX-153599325-G-T.
Other names: c.289C>A, p.Pro97Thr (NM_001456.4); short protein forms P97T.
Identifiers: ClinVar variation 4532599 (VCV004532599.1).
Genomic context (GRCh38, chrX:154,370,957, plus strand): 5'-CGCGGTCCAGGAACTCGAGCGCCACCGACACGTTCTCAAGCTGCATTTGGCGGAAAGTGG[G>T]CCGCTGGTTGTGCTTGCGGTGCATCTTCTTCTGGCTGAGCACCTCCAACAGCGCGATAAG-3'
Protein context (NP_001104026.1, residues 87-107): KKMHRKHNQR[Pro97Thr]TFRQMQLENV